The following is an entry in ClinVar:

ClinVar aggregate classification (germline): Uncertain significance (1 of 4 stars; one submission).

Allele frequency attached by ClinVar (database versions not stated): ExAC 0.00003; TOPMed 0.00003; gnomAD 0.00004; gnomAD exomes 0.00007.
gnomAD v4.1: 107 of 1,601,472 alleles (0.0067%); highest among the groups gnomAD compares: Non-Finnish European, 0.007%; no homozygotes.

Submission:

Labcorp Genetics (formerly Invitae), Labcorp
Classification: Uncertain significance. Last evaluated: 2022-09-06. Review status: criteria provided, single submitter. Criteria: Invitae Variant Classification Sherloc (09022015). Collection method: clinical testing. Allele origin: germline.
Comment: This sequence change replaces aspartic acid, which is acidic and polar, with asparagine, which is neutral and polar, at codon 2143 of the LAMA5 protein (p.Asp2143Asn). This variant is present in population databases (rs199617752, gnomAD 0.04%). This variant has not been reported in the literature in individuals affected with LAMA5-related conditions. Algorithms developed to predict the effect of missense changes on protein structure and function (SIFT, PolyPhen-2, Align-GVGD) all suggest that this variant is likely to be tolerated. In summary, the available evidence is currently insufficient to determine the role of this variant in disease. Therefore, it has been classified as a Variant of Uncertain Significance.

NM_005560.6(LAMA5):c.6427G>A (p.Asp2143Asn)

Gene: LAMA5 (laminin subunit alpha 5; minus strand). Cytogenetic location: 20q13.33.
Variant type: single nucleotide variant.
Coding change: c.6427G>A on transcript NM_005560.6 (MANE Select); coding-DNA position 6427, G replaced by A.
Protein change: p.Asp2143Asn; replaces aspartic acid 2143 with asparagine.
Molecular consequence: missense variant.
Genome position (GRCh38, 1-based): chr20:62,322,088, C>T on the plus strand (G>A on the coding strand, the complement: LAMA5 is on the minus strand). VCF-style: chr20-62322088-C-T. GRCh37 (hg19) VCF-style: chr20-60897144-C-T.
Other names: short protein forms D2143N.
Identifiers: ClinVar variation 2057848 (VCV002057848.1), dbSNP rs199617752, ClinGen allele CA9941740.